The following is an entry in ClinVar:

NM_001111067.4(ACVR1):c.1A>G (p.Met1Val)

Gene: ACVR1 (activin A receptor type 1; minus strand). Cytogenetic location: 2q24.1.
Variant type: single nucleotide variant.
Coding change: c.1A>G on transcript NM_001111067.4 (MANE Select); coding-DNA position 1, A replaced by G.
Protein change: p.Met1Val; changes the start codon (methionine 1).
Molecular consequence: missense variant, initiator codon variant.
Genome position (GRCh38, 1-based): chr2:157,799,493, T>C on the plus strand (A>G on the coding strand, the complement: ACVR1 is on the minus strand). VCF-style: chr2-157799493-T-C. GRCh37 (hg19) VCF-style: chr2-158656005-T-C.
Other names: c.1A>G, p.Met1Val (NM_001105.5, NM_001347663.1, NM_001347664.1 and 3 more transcripts); short protein forms M1V.
Identifiers: ClinVar variation 2156489 (VCV002156489.5), dbSNP rs764556792, ClinGen allele CA1919263.
Genomic context (GRCh38, chr2:157,799,493, plus strand): 5'-TACTAGGGGAGGGGAGAGCAATCATGATAAGCACAGGAAGAATCATCACTCCATCTACCA[T>C]TGTACAACTGTAAAGGGAAAAGAAGAGATGTAAGTAAAGCATAAATATCTAACTGCAGGA-3'
Protein context (NP_001104537.1, residues 1-11): [Met1Val]VDGVMILPVL

ClinVar aggregate classification (germline): Uncertain significance (1 of 4 stars; one submission).

Allele frequency attached by ClinVar (database versions not stated): gnomAD exomes 0.00001; gnomAD 0.00002; ExAC 0.00006.

Submission:

Labcorp Genetics (formerly Invitae), Labcorp
Classification: Uncertain significance. Last evaluated: 2025-02-27. Review status: criteria provided, single submitter. Criteria: Invitae Variant Classification Sherloc (09022015). Collection method: clinical testing. Allele origin: germline.
Comment: This sequence change affects the initiator methionine of the ACVR1 mRNA. The next in-frame methionine is located at codon 6. This variant is present in population databases (rs764556792, gnomAD 0.04%). This variant has not been reported in the literature in individuals affected with ACVR1-related conditions. ClinVar contains an entry for this variant (Variation ID: 2156489). Experimental studies and prediction algorithms are not available or were not evaluated, and the functional significance of this variant is currently unknown. In summary, the available evidence is currently insufficient to determine the role of this variant in disease. Therefore, it has been classified as a Variant of Uncertain Significance.